The following is an entry in ClinVar:

ClinVar aggregate classification (germline): Likely pathogenic. Review status: criteria provided, single submitter (1 of 4 stars). 2 submissions from 2 submitters: Likely pathogenic (1). 1 of the submissions does not count toward it. Last evaluated 2014-09-08.

Conditions:
Pyruvate dehydrogenase E1-alpha deficiency (PDHAD). Also called: ATAXIA, INTERMITTENT, WITH PYRUVATE DEHYDROGENASE DEFICIENCY; ATAXIA WITH LACTIC ACIDOSIS I; ATAXIA, INTERMITTENT, WITH ABNORMAL PYRUVATE METABOLISM; Ataxia, intermittent, with pyruvate dehydrogenase, or decarboxylase, deficiency. Identifiers: Orphanet 79243, MedGen C1839413, MONDO:0010717, OMIM 312170.

Submissions (2):

GeneDx
Classification: Likely pathogenic. Last evaluated: 2014-09-08. Review status: criteria provided, single submitter. Criteria: GeneDx Variant Classification (06012015). Collection method: clinical testing. Allele origin: germline. Affected: yes.
Comment: p.Ala236Glu (GCG>GAG): c.707 C>A in exon 7 of the PDHA1 gene (NM_000284.3) A A236E variant that is likely pathogenic was identified in the PDHA1 gene. It has not been published as a mutation, nor has it been reported as a benign polymorphism to our knowledge. The A236E variant was not observed in approximately 6500 individuals of European and African American ancestry in the NHLBI Exome Sequencing Project, indicating it is not a common benign variant in these populations. The A236E variant is a non-conservative amino acid substitution, which is likely to impact secondary protein structure as these residues differ in polarity, charge, size and/or other properties. This substitution occurs at a position that is conserved across species. In silico analysis predicts this variant is probably damaging to the protein structure/function. Missense mutations in nearby residues (Y227C, T231A, T231K, R235G, Y243N, Y243C, Y243S, R245G) have been reported in association with pyruvate dehydrogenase deficiency, supporting the functional importance of this region of the protein. Therefore, this variant is a strong candidate for a pathogenic mutation, however the possibility that it is a benign variant cannot be excluded. The variant is found in LAPDH-MITOP panel(s).

PDHA1 Study Group, University Children’s Hospital, Paracelsus Medical University
Classification: Pathogenic for Pyruvate dehydrogenase E1-alpha deficiency. Last evaluated: 2024-10-15. Review status: no assertion criteria provided. Collection method: research. Allele origin: de novo. Affected: yes. Observed: 4 variant alleles. Not counted in ClinVar's aggregate classification.
Comment: The NM_000284.3:c.707C>A (p.Ala236Glu) substitution is a missense variant in PDHA1 gene. In total, 4 individuals were diagnosed with PDHA1-related Pyruvate dehydrogenase complex (PDHc) deficiency (MIM #312170). These include 4 females. Among them, 3 cases had confirmed de novo occurrence. This variant has been identified in 4 unpublished cases from internal data. Last literature search: July 12, 2024. This variant is absent or extremely rare in population-based cohorts in the Genome Aggregation Database (gnomAD). Individuals harboring this variant presented with clinical features compatible with PDHA1-related PDHc deficiency. In summary, this variant meets criteria to be classified as pathogenic (P) for PDHA1-related PDHc deficiency based on the ACMG/AMP criteria applied: PS3, PM1, PM2, PM7, PP3 (last assessment October 15, 2024).

Literature cited by the submitters: DOI 10.1093/brain/awaf430 (cited by PDHA1 Study Group, University Children’s Hospital, Paracelsus Medical University).

NM_000284.4(PDHA1):c.707C>A (p.Ala236Glu)

Gene: PDHA1 (pyruvate dehydrogenase E1 subunit alpha 1; plus strand). Cytogenetic location: Xp22.12.
Variant type: single nucleotide variant.
Coding change: c.707C>A on transcript NM_000284.4 (MANE Select); coding-DNA position 707, C replaced by A.
Protein change: p.Ala236Glu; replaces alanine 236 with glutamic acid.
Molecular consequence: missense variant.
Genome position (GRCh38, 1-based): chrX:19,355,452, C>A. VCF-style: chrX-19355452-C-A. GRCh37 (hg19) VCF-style: chrX-19373570-C-A.
Other names: p.A236E:GCG>GAG; c.821C>A, p.Ala274Glu (NM_001173454.2); c.728C>A, p.Ala243Glu (NM_001173455.2); c.614C>A, p.Ala205Glu (NM_001173456.2); short protein forms A236E, A243E, A205E, A274E.
Identifiers: ClinVar variation 214933 (VCV000214933.3), dbSNP rs863224145, ClinGen allele CA321964.